The following is an entry in ClinVar:

NM_001382430.1(AKT1):c.*8G>T

Gene: AKT1 (AKT serine/threonine kinase 1; minus strand). Cytogenetic location: 14q32.33.
Variant type: single nucleotide variant.
Coding change: c.*8G>T on transcript NM_001382430.1 (MANE Select); 8 bases downstream of the stop codon, G replaced by T.
Molecular consequence: 3 prime UTR variant.
Genome position (GRCh38, 1-based): chr14:104,770,333, C>A on the plus strand (G>T on the coding strand, the complement: AKT1 is on the minus strand). VCF-style: chr14-104770333-C-A. GRCh37 (hg19) VCF-style: chr14-105236670-C-A.
Other names: c.*8G>T (NM_001014431.2, NM_001014432.2, NM_001382431.1 and 3 more transcripts).
Identifiers: ClinVar variation 4847527 (VCV004847527.1).
Genomic context (GRCh38, chr14:104,770,333, plus strand): 5'-TACAGATCATGGCACGAGGCCGCCTCTCCATCCCTCCAAGCTATCGTCCAGCGCAGTCCA[C>A]CGCCGCCTCAGGCCGTGCCGCTGGCCGAGTAGGAGAACTGGGGGAAGTGGGGCCTGCGCT-3'

ClinVar aggregate classification (germline): Uncertain significance (1 of 4 stars; one submission).

gnomAD v4.1: 34 of 1,607,598 alleles (0.0021%); highest among the groups gnomAD compares: African/African-American, 0.027%; 1 homozygote.

Submission:

Women's Health and Genetics/Laboratory Corporation of America, LabCorp
Classification: Uncertain significance. Last evaluated: 2026-03-03. Review status: criteria provided, single submitter. Criteria: LabCorp Variant Classification Summary - May 2015. Collection method: clinical testing. Allele origin: germline.
Comment: Variant summary: AKT1 c.*8G>T is located in the untranslated mRNA region downstream of the termination codon. The variant allele was found at a frequency of 4.2e-06 in 238626 control chromosomes. The available data on variant occurrences in the general population are insufficient to allow any conclusion about variant significance. To our knowledge, no occurrence of c.*8G>T in individuals affected with AKT1-related conditions and no experimental evidence demonstrating its impact on protein function have been reported. No submitters have cited clinical-significance assessments for this variant to ClinVar. Based on the evidence outlined above, the variant was classified as uncertain significance.